The following is an entry in ClinVar:

ClinVar aggregate classification (germline): Uncertain significance (1 of 4 stars; one submission).

Conditions:
Severe combined immunodeficiency due to DNA-PKcs deficiency. Also called: IMMUNODEFICIENCY 26 WITH NEUROLOGIC ABNORMALITIES; Immunodeficiency 26 with or without neurologic abnormalities. Identifiers: Orphanet 317425, MedGen C4014833, MONDO:0014423, OMIM 615966.

Allele frequency attached by ClinVar (database versions not stated): gnomAD 0.00001.
gnomAD v4.1: 2 of 1,613,710 alleles (0.00012%); highest among the groups gnomAD compares: African/African-American, 0.0013%; no homozygotes.

Submission:

Labcorp Genetics (formerly Invitae), Labcorp
Classification: Uncertain significance for Severe combined immunodeficiency due to DNA-PKcs deficiency. Last evaluated: 2023-07-17. Review status: criteria provided, single submitter. Criteria: Invitae Variant Classification Sherloc (09022015). Collection method: clinical testing. Allele origin: germline.
Comment: This sequence change replaces phenylalanine, which is neutral and non-polar, with leucine, which is neutral and non-polar, at codon 1559 of the PRKDC protein (p.Phe1559Leu). This variant is present in population databases (no rsID available, gnomAD 0.0009%). In summary, the available evidence is currently insufficient to determine the role of this variant in disease. Therefore, it has been classified as a Variant of Uncertain Significance. Advanced modeling of protein sequence and biophysical properties (such as structural, functional, and spatial information, amino acid conservation, physicochemical variation, residue mobility, and thermodynamic stability) performed at Invitae indicates that this missense variant is not expected to disrupt PRKDC protein function. ClinVar contains an entry for this variant (Variation ID: 2195185). This variant has not been reported in the literature in individuals affected with PRKDC-related conditions.

NM_006904.7(PRKDC):c.4675T>C (p.Phe1559Leu)

Gene: PRKDC (protein kinase, DNA-activated, catalytic subunit; minus strand). Cytogenetic location: 8q11.21.
Variant type: single nucleotide variant.
Coding change: c.4675T>C on transcript NM_006904.7 (MANE Select); coding-DNA position 4675, T replaced by C.
Protein change: p.Phe1559Leu; replaces phenylalanine 1559 with leucine.
Molecular consequence: missense variant.
Genome position (GRCh38, 1-based): chr8:47,886,045, A>G on the plus strand (T>C on the coding strand, the complement: PRKDC is on the minus strand). VCF-style: chr8-47886045-A-G. GRCh37 (hg19) VCF-style: chr8-48798606-A-G.
Other names: c.4675T>C, p.Phe1559Leu (NM_001081640.2); short protein forms F1559L.
Identifiers: ClinVar variation 2195185 (VCV002195185.4), dbSNP rs1184949644, ClinGen allele CA371143054.